The following is an entry in ClinVar:

NM_022455.5(NSD1):c.2633A>C (p.Asp878Ala)

Gene: NSD1 (nuclear receptor binding SET domain protein 1; plus strand). Cytogenetic location: 5q35.3.
Variant type: single nucleotide variant.
Coding change: c.2633A>C on transcript NM_022455.5 (MANE Select); coding-DNA position 2633, A replaced by C.
Protein change: p.Asp878Ala; replaces aspartic acid 878 with alanine.
Molecular consequence: missense variant.
Genome position (GRCh38, 1-based): chr5:177,211,032, A>C. VCF-style: chr5-177211032-A-C. GRCh37 (hg19) VCF-style: chr5-176638033-A-C.
Other names: c.1760A>C, p.Asp587Ala (NM_001409308.1, NM_001409309.1, NM_172349.5 and 3 more transcripts); c.2633A>C, p.Asp878Ala (NM_001409301.1, NM_001409302.1, NM_001409303.1); c.2213A>C, p.Asp738Ala (NM_001409304.1); c.1880A>C, p.Asp627Ala (NM_001409305.1); short protein forms D627A, D587A, D738A, D878A.
Identifiers: ClinVar variation 3666406 (VCV003666406.2).

ClinVar aggregate classification (germline): Uncertain significance (1 of 4 stars; one submission).

gnomAD v4.1: 1 of 1,614,020 alleles (0.000062%); highest among the groups gnomAD compares: Admixed American, 0.0017%; no homozygotes.

Submission:

Labcorp Genetics (formerly Invitae), Labcorp
Classification: Uncertain significance. Last evaluated: 2024-01-07. Review status: criteria provided, single submitter. Criteria: Invitae Variant Classification Sherloc (09022015). Collection method: clinical testing. Allele origin: germline.
Comment: This sequence change replaces aspartic acid, which is acidic and polar, with alanine, which is neutral and non-polar, at codon 878 of the NSD1 protein (p.Asp878Ala). This variant is not present in population databases (gnomAD no frequency). This variant has not been reported in the literature in individuals affected with NSD1-related conditions. Advanced modeling of protein sequence and biophysical properties (such as structural, functional, and spatial information, amino acid conservation, physicochemical variation, residue mobility, and thermodynamic stability) performed at Invitae indicates that this missense variant is expected to disrupt NSD1 protein function with a positive predictive value of 95%. In summary, the available evidence is currently insufficient to determine the role of this variant in disease. Therefore, it has been classified as a Variant of Uncertain Significance.